The following is an entry in ClinVar:

ClinVar aggregate classification (germline): Uncertain significance (1 of 4 stars; one submission).

Conditions:
Neuropathy, hereditary sensory and autonomic, type 2A (HSAN2A). Also called: ACROOSTEOLYSIS, GIACCAI TYPE; ACROOSTEOLYSIS, NEUROGENIC; WNK1-Related HSAN2 (HSAN2A); MORVAN DISEASE; NEUROPATHY, CONGENITAL SENSORY; NEUROPATHY, HEREDITARY SENSORY RADICULAR, AUTOSOMAL RECESSIVE. Identifiers: Orphanet 970, MedGen C2752089, MONDO:0024309, OMIM 201300.
Generalized epilepsy with febrile seizures plus, type 7 (GEFSP7). Also called: GEFS+, TYPE 7. Identifiers: Orphanet 36387, MedGen C2751778, MONDO:0013470, OMIM 613863.

Submission:

Labcorp Genetics (formerly Invitae), Labcorp
Classification: Uncertain significance for Neuropathy, hereditary sensory and autonomic, type 2A; Generalized epilepsy with febrile seizures plus, type 7. Last evaluated: 2023-08-30. Review status: criteria provided, single submitter. Criteria: Invitae Variant Classification Sherloc (09022015). Collection method: clinical testing. Allele origin: germline.
Comment: This variant is not present in population databases (gnomAD no frequency). This variant has not been reported in the literature in individuals affected with SCN9A-related conditions. Advanced modeling of protein sequence and biophysical properties (such as structural, functional, and spatial information, amino acid conservation, physicochemical variation, residue mobility, and thermodynamic stability) has been performed at Invitae for this missense variant, however the output from this modeling did not meet the statistical confidence thresholds required to predict the impact of this variant on SCN9A protein function. In summary, the available evidence is currently insufficient to determine the role of this variant in disease. Therefore, it has been classified as a Variant of Uncertain Significance. This sequence change replaces phenylalanine, which is neutral and non-polar, with leucine, which is neutral and non-polar, at codon 1737 of the SCN9A protein (p.Phe1737Leu).

NM_001365536.1(SCN9A):c.5242T>C (p.Phe1748Leu)

Genes: SCN1A-AS1 (SCN1A and SCN9A antisense RNA 1; plus strand), SCN9A (sodium voltage-gated channel alpha subunit 9; minus strand). Cytogenetic location: 2q24.3.
Variant type: single nucleotide variant.
Coding change: c.5242T>C on transcript NM_001365536.1 (MANE Select); coding-DNA position 5242, T replaced by C.
Protein change: p.Phe1748Leu; replaces phenylalanine 1748 with leucine.
Molecular consequence: missense variant.
Genome position (GRCh38, 1-based): chr2:166,199,397, A>G on the plus strand (T>C on the coding strand, the complement: SCN9A is on the minus strand). VCF-style: chr2-166199397-A-G. GRCh37 (hg19) VCF-style: chr2-167055907-A-G.
Other names: c.5209T>C, p.Phe1737Leu (NM_002977.4); short protein forms F1737L, F1748L.
Identifiers: ClinVar variation 2929706 (VCV002929706.3), dbSNP rs2468877228, ClinGen allele CA349053997.